The following is an entry in ClinVar:

ClinVar aggregate classification (germline): Pathogenic/Likely pathogenic. Review status: criteria provided, multiple submitters, no conflicts (2 of 4 stars). 6 submissions from 6 submitters: Pathogenic (1); Likely pathogenic (3). 2 of the submissions do not count toward it. Last evaluated 2023-04-27.

Conditions:
RAF1-related disorder. Also called: RAF1-related condition; RAF1-related disorders.
RASopathy. Also called: rasopathies; Noonan spectrum disorder. Identifiers: Orphanet 536391, MedGen C5555857, MONDO:0021060.
Noonan syndrome (NS). Also called: Noonan's syndrome. Identifiers: Orphanet 648, MedGen C0028326, MeSH D009634, MONDO:0018997. Disease mechanism: gain of function.
Noonan syndrome 1 (NS1). Also called: FEMALE PSEUDO-TURNER SYNDROME; TURNER PHENOTYPE WITH NORMAL KARYOTYPE; PTPN11-Related Noonan Syndrome. Identifiers: Orphanet 648, MedGen C4551602, MONDO:0008104, OMIM 163950. Disease mechanism: gain of function.

Submissions (6):

Labcorp Genetics (formerly Invitae), Labcorp
Classification: Pathogenic for RASopathy. Last evaluated: 2023-04-27. Review status: criteria provided, single submitter. Criteria: Invitae Variant Classification Sherloc (09022015). Collection method: clinical testing. Allele origin: germline.
Comment: For these reasons, this variant has been classified as Pathogenic. Advanced modeling of protein sequence and biophysical properties (such as structural, functional, and spatial information, amino acid conservation, physicochemical variation, residue mobility, and thermodynamic stability) performed at Invitae indicates that this missense variant is expected to disrupt RAF1 protein function. ClinVar contains an entry for this variant (Variation ID: 44631). This missense change has been observed in individual(s) with hypertrophic cardiomyopathy and Noonan syndrome (Invitae). In at least one individual the variant was observed to be de novo. This variant is not present in population databases (gnomAD no frequency). This sequence change replaces arginine, which is basic and polar, with glycine, which is neutral and non-polar, at codon 256 of the RAF1 protein (p.Arg256Gly).

Blueprint Genetics
Classification: Likely pathogenic for RAF1-related disorders. Last evaluated: 2022-04-29. Review status: criteria provided, single submitter. Criteria: ACMG Guidelines, 2015. Collection method: clinical testing. Allele origin: germline. Affected: yes. Observed: 2 variant alleles.

ARUP Laboratories, Molecular Genetics and Genomics, ARUP Laboratories
Classification: Likely pathogenic. Last evaluated: 2022-01-13. Review status: criteria provided, single submitter. Criteria: ARUP Molecular Germline Variant Investigation Process 2021. Collection method: clinical testing. Allele origin: germline.
Comment: The RAF1 c.766A>G; p.Arg256Gly variant (rs397516825) is reported in the literature in an individual with hypertrophic cardiomyopathy (Burstein 2021) and is reported as occurring de novo in an individual described in the ClinVar database (Variation ID: 44631). This variant is absent from general population databases (Exome Variant Server, Genome Aggregation Database), indicating it is not a common polymorphism. The arginine at codon 256 is highly conserved, but computational analyses are uncertain whether this variant is neutral or deleterious (REVEL: 0.648). However, this amino acid occurs in the conserved CR2 domain, involved in 14-3-3 binding, and variants in this region cause altered phosphorylation of the RAF1 protein (Kobayashi 2010). Several variants in the CR2 domain have been described in affected individuals (Kobayashi 2010, Pandit 2007). Additionally, another variant in this codon, c.768G>T; p.Arg256Ser, is described in affected individuals (Pandit 2007) and is considered pathogenic by a ClinVar expert panel (Variation ID: 40599). Based on available information, this variant is considered to be likely pathogenic. References: Burstein DS et al. Genetic variant burden and adverse outcomes in pediatric cardiomyopathy. Pediatr Res. 2021 May;89(6):1470-1476. PMID: 32746448. Kobayashi T et al. Molecular and clinical analysis of RAF1 in Noonan syndrome and related disorders: dephosphorylation of serine 259 as the essential mechanism for mutant activation. Hum Mutat. 2010 Mar;31(3):284-94. PMID: 20052757. Pandit B et al. Gain-of-function RAF1 mutations cause Noonan and LEOPARD syndromes with hypertrophic cardiomyopathy. Nat Genet. 2007 Aug;39(8):1007-12. PMID: 17603483.

Laboratory for Molecular Medicine, Mass General Brigham Personalized Medicine
Classification: Likely pathogenic for Noonan syndrome. Last evaluated: 2012-05-10. Review status: criteria provided, single submitter. Criteria: LMM Criteria. Collection method: clinical testing. Allele origin: germline. Inheritance: Autosomal dominant inheritance. Observed: 1 variant allele.
Comment: The Arg256Gly variant in RAF1 has not been reported in the literature nor previo usly identified by our laboratory. However, a different amino acid change at thi s position (Arg256Ser) has been identified in individuals with clinical features of Noonan syndrome, suggesting that a change to this position may not be tolera ted (Pandit 2007). Computational analyses (biochemical amino acid properties, co nservation, AlignGVGD, PolyPhen2, and SIFT) suggest that the Arg256Gly variant m ay impact the protein, though this information is not predictive enough to deter mine pathogenicity. In summary, this variant is likely to be pathogenic, though segregation studies and functional analyses are required to fully establish the pathogenicity of this variant. Individuals with pathogenic variants in exon 7 or 17 in RAF1 have a high incidence of hypertrophic cardiomyopathy (80-95%, Razzaq ue 2007, Pandit 2007).

Molecular Genetics, Centre for Human Genetics
Classification: Likely pathogenic for Noonan syndrome 1. Review status: no assertion criteria provided. Collection method: clinical testing. Allele origin: de novo. Inheritance: Autosomal dominant inheritance. Affected: yes. Observed: 1 variant allele. Not counted in ClinVar's aggregate classification.

Service de Génétique Moléculaire, Hôpital Robert Debré
Classification: Uncertain significance for Noonan syndrome. Review status: no assertion criteria provided. Collection method: clinical testing. Allele origin: unknown. Affected: yes. Not counted in ClinVar's aggregate classification.

NM_002880.4(RAF1):c.766A>G (p.Arg256Gly)

Gene: RAF1 (Raf-1 proto-oncogene, serine/threonine kinase; minus strand). Cytogenetic location: 3p25.2.
Variant type: single nucleotide variant.
Coding change: c.766A>G on transcript NM_002880.4 (MANE Select); coding-DNA position 766, A replaced by G.
Protein change: p.Arg256Gly; replaces arginine 256 with glycine.
Molecular consequence: missense variant. On other transcripts: non-coding transcript variant (3).
Genome position (GRCh38, 1-based): chr3:12,604,204, T>C on the plus strand (A>G on the coding strand, the complement: RAF1 is on the minus strand). VCF-style: chr3-12604204-T-C. GRCh37 (hg19) VCF-style: chr3-12645703-T-C.
Other names: c.766A>G, p.Arg256Gly (NM_001354689.3, NM_001354690.3); c.523A>G, p.Arg175Gly (NM_001354691.3, NM_001354692.3, NM_001354694.3); c.667A>G, p.Arg223Gly (NM_001354693.3); c.424A>G, p.Arg142Gly (NM_001354695.3); short protein forms R256G, R142G, R175G, R223G.
Identifiers: ClinVar variation 44631 (VCV000044631.23), dbSNP rs397516825, ClinGen allele CA261620.
Genomic context (GRCh38, chr3:12,604,204, plus strand): 5'-TCCTGCTGTCCACAGGCAGGGTGGTGCTGACCATGTGGACATTAGGTGTGGATGTCGACC[T>C]CTGCCTCTGGGAGAGGGAACCTTCAGATGAGGGACTGGAGGTGTTAAAGGTGAAGGCGTG-3'
Protein context (NP_002871.1, residues 246-266): SSEGSLSQRQ[Arg256Gly]STSTPNVHMV